The following is an entry in ClinVar:

NM_001365951.3(KIF1B):c.2451C>G (p.Asp817Glu)

Gene: KIF1B (kinesin family member 1B; plus strand). Cytogenetic location: 1p36.22.
Variant type: single nucleotide variant.
Coding change: c.2451C>G on transcript NM_001365951.3 (MANE Select); coding-DNA position 2451, C replaced by G.
Protein change: p.Asp817Glu; replaces aspartic acid 817 with glutamic acid.
Molecular consequence: missense variant.
Genome position (GRCh38, 1-based): chr1:10,323,976, C>G. VCF-style: chr1-10323976-C-G. GRCh37 (hg19) VCF-style: chr1-10384034-C-G.
Other names: c.2451C>G, p.Asp817Glu (NM_001365952.1); c.2313C>G, p.Asp771Glu (NM_015074.3); short protein forms D771E, D817E.
Identifiers: ClinVar variation 1789467 (VCV001789467.3), dbSNP rs200358455, ClinGen allele CA17835922.

ClinVar aggregate classification (germline): Uncertain significance (1 of 4 stars; one submission).

Allele frequency attached by ClinVar (database versions not stated): gnomAD 0.00001; gnomAD exomes 0.00001; 1000 Genomes Project 30x 0.00016; 1000 Genomes Project 0.00020.
gnomAD v4.1: 4 of 1,614,102 alleles (0.00025%); highest among the groups gnomAD compares: East Asian, 0.0089%; no homozygotes.

Submission:

Ambry Genetics
Classification: Uncertain significance. Last evaluated: 2024-06-29. Review status: criteria provided, single submitter. Criteria: Ambry Variant Classification Scheme 2023. Collection method: clinical testing. Allele origin: germline.
Comment: The p.D771E variant (also known as c.2313C>G), located in coding exon 22 of the KIF1B gene, results from a C to G substitution at nucleotide position 2313. The aspartic acid at codon 771 is replaced by glutamic acid, an amino acid with highly similar properties. This amino acid position is not well conserved in available vertebrate species. In addition, this alteration is predicted to be tolerated by in silico analysis. Since supporting evidence is limited at this time, the clinical significance of this alteration remains unclear.